The following is an entry in ClinVar:

ClinVar aggregate classification (germline): Uncertain significance (1 of 4 stars; one submission).

Conditions:
Hereditary cancer-predisposing syndrome. Also called: Hereditary Cancer Syndrome; Neoplastic Syndromes, Hereditary; Tumor predisposition; Hereditary neoplastic syndrome. Identifiers: Orphanet 140162, MedGen C0027672, MeSH D009386, MONDO:0015356.

Submission:

Color Diagnostics, LLC DBA Color Health
Classification: Uncertain significance for Hereditary cancer-predisposing syndrome. Last evaluated: 2023-12-05. Review status: criteria provided, single submitter. Criteria: ACMG Guidelines, 2015. Collection method: clinical testing. Allele origin: germline.
Comment: This missense variant replaces proline with alanine at codon 546 of the BARD1 protein. Computational prediction suggests that this variant may not impact protein structure and function (internally defined REVEL score threshold <= 0.5, PMID: 27666373). To our knowledge, functional studies have not been reported for this variant. This variant has not been reported in individuals affected with BARD1-related disorders in the literature. This variant has not been identified in the general population by the Genome Aggregation Database (gnomAD). The available evidence is insufficient to determine the role of this variant in disease conclusively. Therefore, this variant is classified as a Variant of Uncertain Significance.

NM_000465.4(BARD1):c.1636C>G (p.Pro546Ala)

Gene: BARD1 (BRCA1 associated RING domain 1; minus strand). Cytogenetic location: 2q35.
Variant type: single nucleotide variant.
Coding change: c.1636C>G on transcript NM_000465.4 (MANE Select); coding-DNA position 1636, C replaced by G.
Protein change: p.Pro546Ala; replaces proline 546 with alanine.
Molecular consequence: missense variant. On other transcripts: non-coding transcript variant (3), intron variant (1).
Genome position (GRCh38, 1-based): chr2:214,752,488, G>C on the plus strand (C>G on the coding strand, the complement: BARD1 is on the minus strand). VCF-style: chr2-214752488-G-C. GRCh37 (hg19) VCF-style: chr2-215617212-G-C.
Other names: c.1579C>G, p.Pro527Ala (NM_001282543.2); c.283C>G, p.Pro95Ala (NM_001282545.2); c.226C>G, p.Pro76Ala (NM_001282548.2); c.365-21980C>G (NM_001282549.2); short protein forms P546A, P527A, P76A, P95A.
Identifiers: ClinVar variation 489658 (VCV000489658.6), dbSNP rs1553616366, ClinGen allele CA350454735.